The following is an entry in ClinVar:

NM_000202.8(IDS):c.128_129del (p.Ile43fs)

Gene: IDS (iduronate 2-sulfatase; minus strand). Cytogenetic location: Xq28.
Variant type: Deletion.
Coding change: c.128_129del on transcript NM_000202.8 (MANE Select); coding-DNA positions 128 to 129, 2 bases deleted (TC; older notation c.128_129delTC).
Protein change: p.Ile43fs; shifts the reading frame from isoleucine 43.
Molecular consequence: frameshift variant. On other transcripts: 5 prime UTR variant (1), non-coding transcript variant (1).
Genome position (GRCh38, 1-based): chrX:149,504,268-149,504,269, GA deleted on the plus strand (TC on the coding strand, the reverse complement: IDS is on the minus strand). VCF-style (leftmost placement, unchanged base first): chrX-149504267-CGA-C. GRCh37 (hg19) VCF-style: chrX-148585797-CGA-C.
Other names: c.-99_-98del (NM_001166550.4); c.128_129del, p.Ile43fs (NM_006123.5); short protein forms I43fs.
Identifiers: ClinVar variation 3255831 (VCV003255831.2).

ClinVar aggregate classification (germline): Pathogenic (1 of 4 stars; one submission).

Conditions:
Mucopolysaccharidosis, MPS-II (MPS2). Also called: Hunter Syndrome; IDURONATE 2-SULFATASE DEFICIENCY; Mucopolysaccharidosis Type II; Mucopolysaccharidosis type 2; Attenuated MPS (subtype; formerly known as mild MPS II); Severe MPS II. Identifiers: Orphanet 580, Orphanet 79388, MedGen C0026705, MONDO:0010674, OMIM 309900.

Submission:

Laboratory of Diagnosis and Therapy of Lysosomal Disorders, University of Padova
Classification: Pathogenic for Mucopolysaccharidosis, MPS-II. Last evaluated: 2024-06-07. Review status: criteria provided, single submitter. Criteria: ACMG Guidelines, 2015. Collection method: literature only. Allele origin: germline. Affected: yes. Observed: 1 variant allele.
Comment: Null variant (PVS1_VeryStrong), Absent from controls (or at low frequency) in gnomAD database (PM2_Moderate), Patient’s phenotype or family history highly specific for the disease (PP4_Strong)

Classification method: ACMG Guidelines [PMID:25741868] with modifications

Literature cited by the submitters: PubMed 22976768.